The following is an entry in ClinVar:

NM_005876.5(SPEG):c.8224G>A (p.Val2742Met)

Genes: ASIC4-AS1 (ASIC4 antisense RNA 1; minus strand), SPEG (striated muscle enriched protein kinase; plus strand). Cytogenetic location: 2q35.
Variant type: single nucleotide variant.
Coding change: c.8224G>A on transcript NM_005876.5 (MANE Select); coding-DNA position 8224, G replaced by A.
Protein change: p.Val2742Met; replaces valine 2742 with methionine.
Molecular consequence: missense variant.
Genome position (GRCh38, 1-based): chr2:219,489,128, G>A. VCF-style: chr2-219489128-G-A. GRCh37 (hg19) VCF-style: chr2-220353850-G-A.
Other names: short protein forms V2742M.
Identifiers: ClinVar variation 1400659 (VCV001400659.5), dbSNP rs566841339, ClinGen allele CA2127431.

ClinVar aggregate classification (germline): Uncertain significance (1 of 4 stars; one submission).

Allele frequency attached by ClinVar (database versions not stated): ExAC 0.00002; TOPMed 0.00002; gnomAD 0.00003 and 0.00004; gnomAD exomes 0.00003; 1000 Genomes Project 30x 0.00016; 1000 Genomes Project 0.00020.
gnomAD v4.1: 50 of 1,613,982 alleles (0.0031%); highest among the groups gnomAD compares: African/African-American, 0.0067%; no homozygotes.

Submission:

Labcorp Genetics (formerly Invitae), Labcorp
Classification: Uncertain significance. Last evaluated: 2024-05-02. Review status: criteria provided, single submitter. Criteria: Invitae Variant Classification Sherloc (09022015). Collection method: clinical testing. Allele origin: germline.
Comment: This sequence change replaces valine, which is neutral and non-polar, with methionine, which is neutral and non-polar, at codon 2742 of the SPEG protein (p.Val2742Met). This variant is present in population databases (rs566841339, gnomAD 0.008%). This variant has not been reported in the literature in individuals affected with SPEG-related conditions. ClinVar contains an entry for this variant (Variation ID: 1400659). Algorithms developed to predict the effect of missense changes on protein structure and function output the following: SIFT: "Not Available"; PolyPhen-2: "Benign"; Align-GVGD: "Not Available". The methionine amino acid residue is found in multiple mammalian species, which suggests that this missense change does not adversely affect protein function. In summary, the available evidence is currently insufficient to determine the role of this variant in disease. Therefore, it has been classified as a Variant of Uncertain Significance.